The following is an entry in ClinVar:

NM_001278116.2(L1CAM):c.3214C>T (p.Gln1072Ter)

Gene: L1CAM (L1 cell adhesion molecule; minus strand). Cytogenetic location: Xq28.
Variant type: single nucleotide variant.
Coding change: c.3214C>T on transcript NM_001278116.2 (MANE Select); coding-DNA position 3214, C replaced by T.
Protein change: p.Gln1072Ter; replaces glutamine 1072 with a stop codon.
Molecular consequence: nonsense.
Genome position (GRCh38, 1-based): chrX:153,864,430, G>A on the plus strand (C>T on the coding strand, the complement: L1CAM is on the minus strand). VCF-style: chrX-153864430-G-A. GRCh37 (hg19) VCF-style: chrX-153129885-G-A.
Other names: c.3214C>T, p.Gln1072Ter (NM_000425.5, NM_024003.3); c.3199C>T, p.Gln1067Ter (NM_001143963.2); short protein forms Q1067*, Q1072*.
Identifiers: ClinVar variation 2231064 (VCV002231064.2), dbSNP rs2520965602, ClinGen allele CA415111082.

ClinVar aggregate classification (germline): Pathogenic (1 of 4 stars; one submission).

Conditions:
Inborn genetic diseases. Identifiers: MedGen C0950123, MeSH D030342.

Submission:

Ambry Genetics
Classification: Pathogenic for Inborn genetic diseases. Last evaluated: 2021-05-19. Review status: criteria provided, single submitter. Criteria: Ambry Variant Classification Scheme 2023. Collection method: clinical testing. Allele origin: germline.
Comment: The c.3214C>T (p.Q1072*) alteration, located in exon 24 (coding exon 24) of the L1CAM gene, consists of a C to T substitution at nucleotide position 3214. This changes the amino acid from a glutamine (Q) to a stop codon at amino acid position 1072. This alteration is expected to result in loss of function by premature protein truncation or nonsense-mediated mRNA decay. Based on the available evidence, this alteration is classified as pathogenic.